The following is an entry in ClinVar:

ClinVar aggregate classification (germline): Pathogenic (1 of 4 stars; one submission).

Conditions:
Jeune thoracic dystrophy. Also called: Jeune syndrome; Infantile thoracic dystrophy; Thoracic pelvic phalangeal dystrophy; Jeune's syndrome; Chondroectodermal dysplasia-like syndrome; Short-rib thoracic dysplasia. Identifiers: Orphanet 474, MedGen C0265275, MONDO:0018770.

Submission:

Labcorp Genetics (formerly Invitae), Labcorp
Classification: Pathogenic for Jeune thoracic dystrophy. Last evaluated: 2023-06-19. Review status: criteria provided, single submitter. Criteria: Invitae Variant Classification Sherloc (09022015). Collection method: clinical testing. Allele origin: germline.
Comment: For these reasons, this variant has been classified as Pathogenic. Retrotransposon insertions including LINE1 (L1), Alu, and SVA (SINE-VNTR-Alu) have been reported to be disease-causing through disruption of either a coding region or splice site (PMID: 19763152, 20307669, 22406018) and loss-of-function variants in DYNC2H1 are known to be pathogenic (PMID: 23339108, 32753734). This variant has not been reported in the literature in individuals affected with DYNC2H1-related conditions. This variant is not present in population databases (gnomAD no frequency). This sequence change inserts a large fragment of DNA, likely a transposable element, in exon 29 of the DYNC2H1 gene (c.4472_4473ins?), causing a frameshift at codon 1492 (p.Leu1492fs). The exact size and sequence of the insertion cannot be determined by the current assay. However, the insertion is expected to result in an absent or disrupted protein product.

Literature cited by the submitters: PubMed 19763152; PubMed 20307669; PubMed 22406018; PubMed 23339108; PubMed 32753734.

NM_001377.3(DYNC2H1):c.4472_4473insGGCCGGGCGCGGTGGCTCTCGCCTGTAGTCCCAGCTCATAGGGACGAACCGGCGAGCGTCGCGTCCGGTCAGGNNNNNNNNNNAAAAAAAAAAAAAAAAAAAAAAAAATAAAGTTCC (p.Pro1491_Leu1492insAlaGlyArgGlyGlySerArgLeuTer)

Gene: DYNC2H1 (dynein cytoplasmic 2 heavy chain 1; plus strand). Cytogenetic location: 11q22.3.
Variant type: Microsatellite.
Coding change: c.4472_4473insGGCCGGGCGCGGTGGCTCTCGCCTGTAGTCCCAGCTCATAGGGACGAACCGGCGAGCGTCGCGTCCGGTCAGGNNNNNNNNNNAAAAAAAAAAAAAAAAAAAAAAAAATAAAGTTCC on transcript NM_001377.3 (MANE Select); coding-DNA positions 4472 to 4473, GGCCGGGCGCGGTGGCTCTCGCCTGTAGTCCCAGCTCATAGGGACGAACCGGCGAGCGTCGCGTCCGGTCAGGNNNNNNNNNNAAAAAAAAAAAAAAAAAAAAAAAAATAAAGTTCC inserted.
Protein change: p.Pro1491_Leu1492insAlaGlyArgGlyGlySerArgLeuTer.
Molecular consequence: nonsense, inframe insertion.
Genome position: GRCh38: chr11:103,161,012-103,161,025. GRCh37 (hg19), VCF-style position (the base before the change): chr11:103,031,740.
Other names: c.4472_4473insGGCCGGGCGCGGTGGCTCTCGCCTGTAGTCCCAGCTCATAGGGACGAACCGGCGAGCGTCGCGTCCGGTCAGGNNNNNNNNNNAAAAAAAAAAAAAAAAAAAAAAAAATAAAGTTCC, p.Pro1491_Leu1492insAlaGlyArgGlyGlySerArgLeuTer (NM_001080463.2).
Identifiers: ClinVar variation 2719187 (VCV002719187.3).